The following is an entry in ClinVar:

ClinVar aggregate classification (germline): Conflicting classifications of pathogenicity. Review status: criteria provided, conflicting classifications (1 of 4 stars). 5 submissions from 5 submitters: Uncertain significance (3); Likely benign (2). Last evaluated 2026-01-06.

Conditions:
Congenital dyserythropoietic anemia, type III (CDAN3A). Also called: Dyserythropoietic anemia, congenital type 3; ANEMIA WITH MULTINUCLEATED ERYTHROBLASTS; ERYTHRORETICULOSIS, HEREDITARY BENIGN. Identifiers: Orphanet 98870, MedGen C5676874, MONDO:0007109, OMIM 105600.

Allele frequency attached by ClinVar (database versions not stated): 1000 Genomes Project 30x 0.00047; gnomAD 0.00054 and 0.00056; gnomAD exomes 0.00058; 1000 Genomes Project 0.00060; ExAC 0.00063; TOPMed 0.00065; ESP Exome Variant Server 0.00077.
gnomAD v4.1: 1,161 of 1,610,982 alleles (0.072%); highest among the groups gnomAD compares: Middle Eastern, 0.17%; no homozygotes.

Submissions (5):

Labcorp Genetics (formerly Invitae), Labcorp
Classification: Likely benign. Last evaluated: 2026-01-06. Review status: criteria provided, single submitter. Criteria: Invitae Variant Classification Sherloc (09022015). Collection method: clinical testing. Allele origin: germline.

Mayo Clinic Laboratories, Mayo Clinic
Classification: Uncertain significance. Last evaluated: 2025-03-31. Review status: criteria provided, single submitter. Criteria: ACMG Guidelines, 2015. Collection method: clinical testing. Allele origin: germline. Observed: 3 variant alleles.
Comment: PP3_strong

Blueprint Genetics
Classification: Likely benign. Last evaluated: 2024-11-27. Review status: criteria provided, single submitter. Criteria: ACMG Guidelines, 2015. Collection method: clinical testing. Allele origin: germline.

Ambry Genetics
Classification: Uncertain significance. Last evaluated: 2024-11-10. Review status: criteria provided, single submitter. Criteria: Ambry Variant Classification Scheme 2023. Collection method: clinical testing. Allele origin: germline.

Department of Pediatrics, Duzce University
Classification: Uncertain significance for Congenital dyserythropoietic anemia, type III. Last evaluated: 2024-02-12. Review status: criteria provided, single submitter. Criteria: ACMG Guidelines, 2015. Collection method: research. Allele origin: germline. Inheritance: Autosomal dominant inheritance. Affected: yes.
Comment: Missense variant p.(Pro34Thr) of uncertain significance in KIF23 (congenital dyserythropoietic anemia type III). Rare in population databases (PM2_supporting); in silico predictions insufficient or conflicting; no functional or segregation evidence. Applied ACMG/AMP criteria: PM2_supporting. Classification: Uncertain significance.

NM_001367805.3(KIF23):c.100C>A (p.Pro34Thr)

Gene: KIF23 (kinesin family member 23; plus strand). Cytogenetic location: 15q23.
Variant type: single nucleotide variant.
Coding change: c.100C>A on transcript NM_001367805.3 (MANE Select); coding-DNA position 100, C replaced by A.
Protein change: p.Pro34Thr; replaces proline 34 with threonine.
Molecular consequence: missense variant. On other transcripts: 5 prime UTR variant (1), non-coding transcript variant (2).
Genome position (GRCh38, 1-based): chr15:69,417,401, C>A. VCF-style: chr15-69417401-C-A. GRCh37 (hg19) VCF-style: chr15-69709740-C-A.
Other names: p.Pro34Thr; p.(Pro34Thr); c.100C>A (NM_138555.2); c.-94C>A (NM_001281301.2); c.100C>A, p.Pro34Thr (NM_001367804.2, NM_004856.7, NM_138555.4); short protein forms P34T.
Identifiers: ClinVar variation 1533388 (VCV001533388.16), dbSNP rs148511930, ClinGen allele CA7634807.
Genomic context (GRCh38, chr15:69,417,401, plus strand): 5'-AAGGTCGAACTTTCTTCTTAAAGCACCTTCCTATTTCTTCAGGTATACTGTAGGGTGCGC[C>A]CACTGGGCTTTCCTGATCAAGAGTGTTGCATAGAAGTGATCAATAATACAACTGTTCAGC-3'
Protein context (NP_001354734.1, residues 24-44): DPVGVYCRVR[Pro34Thr]LGFPDQECCI